The following is an entry in ClinVar:

NM_006767.4(LZTR1):c.923C>T (p.Pro308Leu)

Gene: LZTR1 (leucine zipper like post translational regulator 1; plus strand). Cytogenetic location: 22q11.21.
Variant type: single nucleotide variant.
Coding change: c.923C>T on transcript NM_006767.4 (MANE Select); coding-DNA position 923, C replaced by T.
Protein change: p.Pro308Leu; replaces proline 308 with leucine.
Molecular consequence: missense variant.
Genome position (GRCh38, 1-based): chr22:20,991,759, C>T. VCF-style: chr22-20991759-C-T. GRCh37 (hg19) VCF-style: chr22-21346048-C-T.
Other names: c.923C>T (NM_006767.3); short protein forms P308L.
Identifiers: ClinVar variation 1678592 (VCV001678592.4), dbSNP rs764464803, ClinGen allele CA10118666.
Genomic context (GRCh38, chr22:20,991,759, plus strand): 5'-CCATGGTGGCCTTTGACCGCCACCTCTATGTGTTTGGGGGTGCGGCCGACAACACGCTGC[C>T]CAACGAGCTGCACTGCTATGACGTGGACTTCCAGACCTGGGAGGTCGTCCAGCCCAGCTC-3'
Protein context (NP_006758.2, residues 298-318): VFGGAADNTL[Pro308Leu]NELHCYDVDF

ClinVar aggregate classification (germline): Uncertain significance. Review status: criteria provided, multiple submitters, no conflicts (2 of 4 stars). 2 submissions from 2 submitters: Uncertain significance (2). Last evaluated 2022-06-20.

Conditions:
Cardiovascular phenotype. Identifiers: MedGen CN230736.
Hereditary cancer-predisposing syndrome. Also called: Hereditary neoplastic syndrome; Neoplastic Syndromes, Hereditary; Tumor predisposition; Hereditary Cancer Syndrome. Identifiers: Orphanet 140162, MedGen C0027672, MeSH D009386, MONDO:0015356.
LZTR1-related schwannomatosis. Also called: Schwannomatosis 2; Schwannomatosis-2, susceptibility to. Identifiers: Orphanet 93921, MedGen C3810283, MONDO:0014299, OMIM 615670.

Allele frequency attached by ClinVar (database versions not stated): gnomAD exomes below 0.00001.
gnomAD v4.1: 1 of 1,560,706 alleles (0.000064%); highest among the groups gnomAD compares: Non-Finnish European, 0.000087%; no homozygotes.

Submissions (2):

Ambry Genetics
Classification: Uncertain significance for Cardiovascular phenotype; Hereditary cancer-predisposing syndrome. Last evaluated: 2022-06-20. Review status: criteria provided, single submitter. Criteria: Ambry Variant Classification Scheme 2023. Collection method: clinical testing. Allele origin: germline.
Comment: The p.P308L variant (also known as c.923C>T), located in coding exon 9 of the LZTR1 gene, results from a C to T substitution at nucleotide position 923. The proline at codon 308 is replaced by leucine, an amino acid with similar properties. This amino acid position is conserved. In addition, this alteration is predicted to be deleterious by in silico analysis. Since supporting evidence is limited at this time, the clinical significance of this alteration remains unclear.

Molecular Genetics, Royal Melbourne Hospital
Classification: Uncertain significance for LZTR1-related schwannomatosis. Last evaluated: 2020-05-28. Review status: criteria provided, single submitter. Criteria: ACMG Guidelines, 2015. Collection method: clinical testing. Allele origin: germline. Affected: yes.
Comment: This sequence change is predicted to replace proline with leucine at codon 308 of the LZTR1 protein (p.Pro308Leu). The proline residue is highly conserved (100 vertebrates, UCSC), and is located in the Kelch 5 repeat. There is a moderate physicochemical difference between proline and leucine. The variant is absent in a large population cohort (PM2; gnomAD v2.1), and has not been reported in the relevant medical literature or databases. Multiple lines of computational evidence predict a deleterious effect for the missense substitution (PP3; 5/7 algorithms). Based on the classification scheme RMH ACMG Guidelines v1.2.1, this variant is classified as VARIANT OF UNCERTAIN SIGNIFICANCE. Following criteria are met: PM2, PP3.